The following is an entry in ClinVar:

ClinVar aggregate classification (germline): Uncertain significance (1 of 4 stars; one submission).

Conditions:
Autosomal recessive limb-girdle muscular dystrophy type 2J (LGMDR10). Also called: Limb-girdle muscular dystrophy, type 2J; MUSCULAR DYSTROPHY, LIMB-GIRDLE, AUTOSOMAL RECESSIVE 10. Identifiers: Orphanet 140922, MedGen C1837342, MONDO:0012127, OMIM 608807.
Dilated cardiomyopathy 1G (CMD1G). Identifiers: Orphanet 154, MedGen C1858763, MONDO:0011400, OMIM 604145.

gnomAD v4.1: 1 of 1,613,846 alleles (0.000062%); highest among the groups gnomAD compares: Admixed American, 0.0017%; no homozygotes.

Submission:

Labcorp Genetics (formerly Invitae), Labcorp
Classification: Uncertain significance for Dilated cardiomyopathy 1G; Autosomal recessive limb-girdle muscular dystrophy type 2J. Last evaluated: 2021-04-06. Review status: criteria provided, single submitter. Criteria: Invitae Variant Classification Sherloc (09022015). Collection method: clinical testing. Allele origin: germline.
Comment: Algorithms developed to predict the effect of missense changes on protein structure and function are unavailable for the TTN gene. In summary, the available evidence is currently insufficient to determine the role of this variant in disease. Therefore, it has been classified as a Variant of Uncertain Significance. This variant is located in the M band of TTN (PMID: 25589632). Variants in this region may be relevant for neuromuscular disorders, but have not been definitively shown to cause cardiomyopathy (PMID: 23975875). This variant has not been reported in the literature in individuals with TTN-related disease. This variant is not present in population databases (ExAC no frequency). This sequence change replaces methionine with threonine at codon 34251 of the TTN protein (p.Met34251Thr). There is a moderate physicochemical difference between methionine and threonine.

Literature cited by the submitters: PubMed 25589632; PubMed 23975875.

NM_001267550.2(TTN):c.102752T>C (p.Met34251Thr)

Genes: TTN (titin; minus strand), TTN-AS1 (TTN antisense RNA 1; plus strand). Cytogenetic location: 2q31.2.
Variant type: single nucleotide variant.
Coding change: c.102752T>C on transcript NM_001267550.2 (MANE Select); coding-DNA position 102752, T replaced by C.
Protein change: p.Met34251Thr; replaces methionine 34251 with threonine.
Molecular consequence: missense variant.
Genome position (GRCh38, 1-based): chr2:178,533,863, A>G on the plus strand (T>C on the coding strand, the complement: TTN is on the minus strand). VCF-style: chr2-178533863-A-G. GRCh37 (hg19) VCF-style: chr2-179398590-A-G.
Other names: c.97829T>C, p.Met32610Thr (NM_001256850.1); c.75557T>C, p.Met25186Thr (NM_003319.4); c.95048T>C, p.Met31683Thr (NM_133378.4); c.75932T>C, p.Met25311Thr (NM_133432.3); c.76133T>C, p.Met25378Thr (NM_133437.4); short protein forms M25378T, M25186T, M25311T, M31683T, M34251T, M32610T.
Identifiers: ClinVar variation 654255 (VCV000654255.9), dbSNP rs750864230, ClinGen allele CA349416832.